The following is an entry in ClinVar:

NM_144687.4(NLRP12):c.1187C>A (p.Pro396His)

Gene: NLRP12 (NLR family pyrin domain containing 12; minus strand). Cytogenetic location: 19q13.42.
Variant type: single nucleotide variant.
Coding change: c.1187C>A on transcript NM_144687.4 (MANE Select); coding-DNA position 1187, C replaced by A.
Protein change: p.Pro396His; replaces proline 396 with histidine.
Molecular consequence: missense variant.
Genome position (GRCh38, 1-based): chr19:53,810,472, G>T on the plus strand (C>A on the coding strand, the complement: NLRP12 is on the minus strand). VCF-style: chr19-53810472-G-T. GRCh37 (hg19) VCF-style: chr19-54313726-G-T.
Other names: c.1187C>A, p.Pro396His (NM_001277126.2, NM_001277129.1); short protein forms P396H.
Identifiers: ClinVar variation 1046239 (VCV001046239.6), dbSNP rs896692770, ClinGen allele CA407414047.

ClinVar aggregate classification (germline): Uncertain significance (1 of 4 stars; one submission).

Conditions:
Familial cold autoinflammatory syndrome 2 (FCAS2). Identifiers: Orphanet 247868, MedGen C2673198, MONDO:0012724, OMIM 611762.

gnomAD v4.1: 1 of 1,614,164 alleles (0.000062%); highest among the groups gnomAD compares: Non-Finnish European, 0.000085%; no homozygotes.

Submission:

Labcorp Genetics (formerly Invitae), Labcorp
Classification: Uncertain significance for Familial cold autoinflammatory syndrome 2. Last evaluated: 2022-02-10. Review status: criteria provided, single submitter. Criteria: Invitae Variant Classification Sherloc (09022015). Collection method: clinical testing. Allele origin: germline.
Comment: Algorithms developed to predict the effect of missense changes on protein structure and function (SIFT, PolyPhen-2, Align-GVGD) all suggest that this variant is likely to be disruptive. ClinVar contains an entry for this variant (Variation ID: 1046239). This variant has not been reported in the literature in individuals affected with NLRP12-related conditions. This variant is not present in population databases (gnomAD no frequency). This sequence change replaces proline, which is neutral and non-polar, with histidine, which is basic and polar, at codon 396 of the NLRP12 protein (p.Pro396His). In summary, the available evidence is currently insufficient to determine the role of this variant in disease. Therefore, it has been classified as a Variant of Uncertain Significance.